The following is an entry in ClinVar:

ClinVar aggregate classification (germline): Pathogenic (1 of 4 stars; one submission).

Conditions:
Familial thoracic aortic aneurysm and aortic dissection (TAAD). Also called: Thoracic aortic aneurysms and dissections. Identifiers: Orphanet 91387, MedGen C4707243, MONDO:0019625.

Submission:

Ambry Genetics
Classification: Pathogenic for Familial thoracic aortic aneurysm and aortic dissection. Last evaluated: 2025-01-27. Review status: criteria provided, single submitter. Criteria: Ambry Variant Classification Scheme 2023. Collection method: clinical testing. Allele origin: germline.
Comment: The c.741delT (p.I247Mfs*12) alteration, located in exon 5 (coding exon 4) of the FLNA gene, consists of a deletion of one nucleotide at position 741, causing a translational frameshift with a predicted alternate stop codon after 12 amino acids. This alteration is expected to result in loss of function by premature protein truncation or nonsense-mediated mRNA decay. Loss-of-function variants in FLNA are known to cause periventricular nodular heterotopia; however, such associations with otopalatodigital spectrum disorders are exceedingly rare (Robertson, 2019). for X-linked dominant periventricular nodular heterotopia; however, its clinical significance for X-linked recessive cardiac valvular dysplasia is uncertain, and it is unlikely to be causative of X-linked dominant otopalatodigital spectrum disorders. This variant was not reported in population-based cohorts in the Genome Aggregation Database (gnomAD). Based on the available evidence, this alteration is classified as pathogenic.

Literature cited by the submitters: PubMed 20301567.

NM_001110556.2(FLNA):c.741del (p.Ile247fs)

Gene: FLNA (filamin A; minus strand). Cytogenetic location: Xq28.
Variant type: Deletion.
Coding change: c.741del on transcript NM_001110556.2 (MANE Select); coding-DNA position 741, one base deleted (T; older notation c.741delT).
Protein change: p.Ile247fs; shifts the reading frame from isoleucine 247.
Molecular consequence: frameshift variant.
Genome position (GRCh38, 1-based): chrX:154,367,524, A deleted on the plus strand (T on the coding strand, the reverse complement: FLNA is on the minus strand); the first of 2 consecutive A bases (chrX:154,367,524-154,367,525); deleting either gives the same sequence. VCF-style (leftmost placement, unchanged base first): chrX-154367523-CA-C. GRCh37 (hg19) VCF-style: chrX-153595891-CA-C.
Other names: c.741del, p.Ile247fs (NM_001456.4); short protein forms I247fs.
Identifiers: ClinVar variation 3850752 (VCV003850752.1).
Genomic context (GRCh38, chrX:154,367,523, plus strand): 5'-TGGCCTTGGGGAACTGGGACAGGTAGGTCATGACAGAGTGCTCGTCCACGTTGGGGTCCA[CA>C]ATCTCCTCGGGGGTGATCACCTGTCACAGGCAGAAAACAGGAGCCATCGGGCCTCCGAGT-3'